The following is an entry in ClinVar:

ClinVar aggregate classification (germline): Uncertain significance. Review status: criteria provided, single submitter (1 of 4 stars). 2 submissions from 2 submitters: Uncertain significance (1). 1 of the submissions does not count toward it. Last evaluated 2025-10-08.

Conditions:
COL11A2-related disorder. Also called: COL11A2-related condition; COL11A2-related disorders.

Allele frequency attached by ClinVar (database versions not stated): ExAC 0.00003; gnomAD 0.00003; TOPMed 0.00003.
gnomAD v4.1: 73 of 1,613,874 alleles (0.0045%); highest among the groups gnomAD compares: Non-Finnish European, 0.0058%; no homozygotes.

Submissions (2):

Labcorp Genetics (formerly Invitae), Labcorp
Classification: Uncertain significance. Last evaluated: 2025-10-08. Review status: criteria provided, single submitter. Criteria: Invitae Variant Classification Sherloc (09022015). Collection method: clinical testing. Allele origin: germline.
Comment: This sequence change affects codon 843 of the COL11A2 mRNA. It is a 'silent' change, meaning that it does not change the encoded amino acid sequence of the COL11A2 protein. This variant also falls at the last nucleotide of exon 33, which is part of the consensus splice site for this exon. This variant is present in population databases (rs746271341, gnomAD 0.008%). This variant has been observed in individual(s) with unilateral deafness (PMID: 36515421). ClinVar contains an entry for this variant (Variation ID: 2046770). Variants that disrupt the consensus splice site are a relatively common cause of aberrant splicing (PMID: 17576681, 9536098). Algorithms developed to predict the effect of sequence changes on RNA splicing suggest that this variant may disrupt the consensus splice site. In summary, the available evidence is currently insufficient to determine the role of this variant in disease. Therefore, it has been classified as a Variant of Uncertain Significance.

PreventionGenetics, part of Exact Sciences
Classification: Likely benign for COL11A2-related condition. Last evaluated: 2019-07-22. Review status: no assertion criteria provided. Collection method: clinical testing. Allele origin: germline. Not counted in ClinVar's aggregate classification.
Comment: This variant is classified as likely benign based on ACMG/AMP sequence variant interpretation guidelines (Richards et al. 2015 PMID: 25741868, with internal and published modifications).

Literature cited by the submitters: PubMed 36515421 (cited by Labcorp Genetics (formerly Invitae), Labcorp); PubMed 17576681 (cited by Labcorp Genetics (formerly Invitae), Labcorp); PubMed 9536098 (cited by Labcorp Genetics (formerly Invitae), Labcorp).

NM_080680.3(COL11A2):c.2529G>A (p.Thr843=)

Gene: COL11A2 (collagen type XI alpha 2 chain; minus strand). Cytogenetic location: 6p21.32.
Variant type: single nucleotide variant.
Coding change: c.2529G>A on transcript NM_080680.3 (MANE Select); coding-DNA position 2529, G replaced by A.
Protein change: p.Thr843=; no amino-acid change (threonine 843 retained).
Molecular consequence: synonymous variant.
Genome position (GRCh38, 1-based): chr6:33,174,011, C>T on the plus strand (G>A on the coding strand, the complement: COL11A2 is on the minus strand). VCF-style: chr6-33174011-C-T. GRCh37 (hg19) VCF-style: chr6-33141788-C-T.
Other names: c.2529G>A (NM_080680.2); c.2208G>A, p.Thr736= (NM_080679.3); c.2271G>A, p.Thr757= (NM_080681.3).
Identifiers: ClinVar variation 2046770 (VCV002046770.5), dbSNP rs746271341, ClinGen allele CA3750862.